The following is an entry in ClinVar:

ClinVar aggregate classification (germline): Likely pathogenic (0 of 4 stars; one submission).

Conditions:
STAT1-related disorder. Also called: STAT1-related condition.

Submission:

PreventionGenetics, part of Exact Sciences
Classification: Likely pathogenic for STAT1-related condition. Last evaluated: 2023-11-27. Review status: no assertion criteria provided. Collection method: clinical testing. Allele origin: germline.
Comment: The STAT1 c.986C>G variant is predicted to result in the amino acid substitution p.Pro329Arg. This variant was reported to be de novo in an individual with chronic mucocutaneous candidiasis, bronchiectasis, elevated serum IgA levels, and stunting (Yu et al. 2021. PubMed ID: 33413180). This variant has not been reported in a large population database, indicating this variant is rare. This variant is classified as likely pathogenic.

NM_007315.4(STAT1):c.986C>G (p.Pro329Arg)

Gene: STAT1 (signal transducer and activator of transcription 1; minus strand). Cytogenetic location: 2q32.2.
Variant type: single nucleotide variant.
Coding change: c.986C>G on transcript NM_007315.4 (MANE Select); coding-DNA position 986, C replaced by G.
Protein change: p.Pro329Arg; replaces proline 329 with arginine.
Molecular consequence: missense variant. On other transcripts: intron variant (1).
Genome position (GRCh38, 1-based): chr2:190,991,279, G>C on the plus strand (C>G on the coding strand, the complement: STAT1 is on the minus strand). VCF-style: chr2-190991279-G-C. GRCh37 (hg19) VCF-style: chr2-191856005-G-C.
Other names: c.986C>G, p.Pro329Arg (NM_001384880.1, NM_001384882.1, NM_001384886.1 and 3 more transcripts); c.992C>G, p.Pro331Arg (NM_001384881.1, NM_001384884.1); c.887C>G, p.Pro296Arg (NM_001384883.1); c.827C>G, p.Pro276Arg (NM_001384885.1); c.896C>G, p.Pro299Arg (NM_001384890.1); c.1022C>G, p.Pro341Arg (NM_001384891.1); c.945-1605C>G (NM_001384887.1); short protein forms P276R, P296R, P299R, P329R, P331R, P341R.
Identifiers: ClinVar variation 2630505 (VCV002630505.3), dbSNP rs2470484175, ClinGen allele CA349920762.
Genomic context (GRCh38, chr2:190,991,279, plus strand): 5'-CCTTGTTACCTCAACTTCACAGTGAACTGGACCCCTGTCTTCAAGACCAGCGGCCTCTGA[G>C]GGTGCGTTGGCATGCAGGGCTGTCTTTCCACCACAAACGAGCTGCAAATACCCAGCAAAG-3'
Protein context (NP_009330.1, residues 319-339): VERQPCMPTH[Pro329Arg]QRPLVLKTGV